The following is an entry in ClinVar:

NM_001605.3(AARS1):c.1196G>A (p.Ser399Asn)

Gene: AARS1 (alanyl-tRNA synthetase 1; minus strand). Cytogenetic location: 16q22.1.
Variant type: single nucleotide variant.
Coding change: c.1196G>A on transcript NM_001605.3 (MANE Select); coding-DNA position 1196, G replaced by A.
Protein change: p.Ser399Asn; replaces serine 399 with asparagine.
Molecular consequence: missense variant.
Genome position (GRCh38, 1-based): chr16:70,267,685, C>T on the plus strand (G>A on the coding strand, the complement: AARS1 is on the minus strand). VCF-style: chr16-70267685-C-T. GRCh37 (hg19) VCF-style: chr16-70301588-C-T.
Other names: short protein forms S399N.
Identifiers: ClinVar variation 1986750 (VCV001986750.4), dbSNP rs145258074, ClinGen allele CA283437751.

ClinVar aggregate classification (germline): Uncertain significance (1 of 4 stars; one submission).

Conditions:
Charcot-Marie-Tooth disease type 2. Also called: Charcot-Marie-Tooth type 2. Identifiers: Orphanet 64746, MedGen C0270914, MONDO:0018993.

Allele frequency attached by ClinVar (database versions not stated): gnomAD 0.00001; ESP Exome Variant Server 0.00008; TOPMed 0.00001.
gnomAD v4.1: 1 of 1,614,030 alleles (0.000062%); highest among the groups gnomAD compares: African/African-American, 0.0013%; no homozygotes.

Submission:

Labcorp Genetics (formerly Invitae), Labcorp
Classification: Uncertain significance for Charcot-Marie-Tooth disease type 2. Last evaluated: 2022-05-05. Review status: criteria provided, single submitter. Criteria: Invitae Variant Classification Sherloc (09022015). Collection method: clinical testing. Allele origin: germline.
Comment: In summary, the available evidence is currently insufficient to determine the role of this variant in disease. Therefore, it has been classified as a Variant of Uncertain Significance. Algorithms developed to predict the effect of missense changes on protein structure and function are either unavailable or do not agree on the potential impact of this missense change (SIFT: "Deleterious"; PolyPhen-2: "Benign"; Align-GVGD: "Class C0"). This variant has not been reported in the literature in individuals affected with AARS-related conditions. This variant is present in population databases (rs145258074, gnomAD 0.01%). This sequence change replaces serine, which is neutral and polar, with asparagine, which is neutral and polar, at codon 399 of the AARS protein (p.Ser399Asn).